The following is an entry in ClinVar:

NM_033305.3(VPS13A):c.2709_2712del (p.Ser904fs)

Gene: VPS13A (vacuolar protein sorting 13 homolog A; plus strand). Cytogenetic location: 9q21.2.
Variant type: Deletion.
Coding change: c.2709_2712del on transcript NM_033305.3 (MANE Select); coding-DNA positions 2709 to 2712, 4 bases deleted (ATCT; older notation c.2709_2712delATCT).
Protein change: p.Ser904fs; shifts the reading frame from serine 904.
Molecular consequence: frameshift variant.
Genome position (GRCh38, 1-based): chr9:77,276,106-77,276,109, ATCT deleted; deleting any 4 consecutive bases within chr9:77,276,104-77,276,109 gives the same sequence; the c. name uses the placement nearest the transcript's 3' end. VCF-style (leftmost placement, unchanged base first): chr9-77276103-ACTAT-A. GRCh37 (hg19) VCF-style: chr9-79891019-ACTAT-A.
Other names: c.2709_2712del, p.Ser904fs (NM_001018037.2, NM_001018038.3, NM_015186.4); short protein forms S904fs.
Identifiers: ClinVar variation 5013671 (VCV005013671.1).

ClinVar aggregate classification (germline): Pathogenic (1 of 4 stars; one submission).

Conditions:
VPS13A-related neurodegenerative disease. Also called: ACANTHOCYTOSIS WITH NEUROLOGIC DISORDER; LEVINE-CRITCHLEY SYNDROME; Choreoacanthocytosis; Chorea-acanthocytosis; Choreaacanthocytosis; VPS13A Disease. Identifiers: Orphanet 2388, MedGen C0393576, MONDO:0008695, OMIM 200150.

Submission:

Myriad Genetics, Inc.
Classification: Pathogenic for VPS13A-related neurodegenerative disease. Last evaluated: 2024-10-23. Review status: criteria provided, single submitter. Criteria: Myriad Autosomal Dominant, Autosomal Recessive and X-Linked Classification Criteria (2023). Collection method: clinical testing. Allele origin: unknown.
Comment: NM_033305.2(VPS13A):c.2709_2712delATCT(S904Wfs*2) is expected to be pathogenic in the context of VPS13A disease. This variant is predicted to lead to an abnormal or absent protein product due to the creation of a premature termination codon in VPS13A, a gene where loss-of-function variants are known to be pathogenic. Please note: this variant was assessed in the context of healthy population screening.